The following is an entry in ClinVar:

NM_017780.4(CHD7):c.6483T>A (p.His2161Gln)

Gene: CHD7 (chromodomain helicase DNA binding protein 7; plus strand). Cytogenetic location: 8q12.2.
Variant type: single nucleotide variant.
Coding change: c.6483T>A on transcript NM_017780.4 (MANE Select); coding-DNA position 6483, T replaced by A.
Protein change: p.His2161Gln; replaces histidine 2161 with glutamine.
Molecular consequence: missense variant. On other transcripts: intron variant (1).
Genome position (GRCh38, 1-based): chr8:60,853,208, T>A. VCF-style: chr8-60853208-T-A. GRCh37 (hg19) VCF-style: chr8-61765767-T-A.
Other names: c.1717-9021T>A (NM_001316690.1); short protein forms H2161Q.
Identifiers: ClinVar variation 1291682 (VCV001291682.13), dbSNP rs185505138, ClinGen allele CA4760598.
Genomic context (GRCh38, chr8:60,853,208, plus strand): 5'-TTCCTTGAACCCACTGGCAGTTGGATTTGTCCAGACTCCTCCAGTCATCTCATCTGCTCA[T>A]ATTCAAGATGAGAGGGTACTGGAACAAGCCGAAGGCAAAGTGGAGGAGCCTGAAAACCCA-3'
Protein context (NP_060250.2, residues 2151-2171): VQTPPVISSA[His2161Gln]IQDERVLEQA

ClinVar aggregate classification (germline): Benign/Likely benign. Review status: criteria provided, multiple submitters, no conflicts (2 of 4 stars). 4 submissions from 4 submitters: Benign (2); Likely benign (1). 1 of the submissions does not count toward it. Last evaluated 2025-11-05.

Conditions:
CHD7-related disorder. Also called: CHD7-related condition.
CHARGE syndrome (CHARGE). Also called: Hittner Hirsch Kreh syndrome; CHARGE ASSOCIATION--COLOBOMA, HEART ANOMALY, CHOANAL ATRESIA, RETARDATION, GENITAL AND EAR ANOMALIES; Coloboma, heart anomaly, choanal atresia, retardation, genital and ear anomalies; CHARGE association; Hall-Hittner syndrome. Identifiers: Orphanet 138, MedGen C0265354, MONDO:0008965.
Inborn genetic diseases. Identifiers: MedGen C0950123, MeSH D030342.

Allele frequency attached by ClinVar (database versions not stated): gnomAD exomes 0.00003 and 0.00010; ExAC 0.00013; ESP Exome Variant Server 0.00017; gnomAD 0.00028 and 0.00030; TOPMed 0.00031; 1000 Genomes Project 0.00040; 1000 Genomes Project 30x 0.00047.
gnomAD v4.1: 88 of 1,613,876 alleles (0.0055%); highest among the groups gnomAD compares: African/African-American, 0.11%; no homozygotes.

Submissions (4):

Labcorp Genetics (formerly Invitae), Labcorp
Classification: Benign for CHARGE syndrome. Last evaluated: 2025-11-05. Review status: criteria provided, single submitter. Criteria: Invitae Variant Classification Sherloc (09022015). Collection method: clinical testing. Allele origin: germline.

Ambry Genetics
Classification: Likely benign for Inborn genetic diseases. Last evaluated: 2021-10-11. Review status: criteria provided, single submitter. Criteria: Ambry Variant Classification Scheme 2023. Collection method: clinical testing. Allele origin: germline.

GeneDx
Classification: Benign. Last evaluated: 2020-08-04. Review status: criteria provided, single submitter. Criteria: GeneDx Variant Classification Process June 2021. Collection method: clinical testing. Allele origin: germline. Affected: yes.

PreventionGenetics, part of Exact Sciences
Classification: Likely benign for CHD7-related condition. Last evaluated: 2023-11-07. Review status: no assertion criteria provided. Collection method: clinical testing. Allele origin: germline. Not counted in ClinVar's aggregate classification.
Comment: This variant is classified as likely benign based on ACMG/AMP sequence variant interpretation guidelines (Richards et al. 2015 PMID: 25741868, with internal and published modifications).